The following is an entry in ClinVar:

ClinVar aggregate classification (germline): Benign/Likely benign. Review status: criteria provided, multiple submitters, no conflicts (2 of 4 stars). 3 submissions from 3 submitters: Benign (1); Likely benign (2). Last evaluated 2025-06-30.

Conditions:
Hereditary cancer-predisposing syndrome. Also called: Tumor predisposition; Neoplastic Syndromes, Hereditary; Hereditary Cancer Syndrome; Hereditary neoplastic syndrome. Identifiers: Orphanet 140162, MedGen C0027672, MeSH D009386, MONDO:0015356.
Oligodontia-cancer predisposition syndrome. Also called: TOOTH AGENESIS-COLORECTAL CANCER SYNDROME. Identifiers: Orphanet 300576, MedGen C1837750, MONDO:0012075, OMIM 608615. Disease mechanism: loss of function.

Allele frequency attached by ClinVar (database versions not stated): gnomAD exomes below 0.00001.
gnomAD v4.1: 2 of 1,613,896 alleles (0.00012%); highest among the groups gnomAD compares: Non-Finnish European, 0.000085%; no homozygotes.

Submissions (3):

Labcorp Genetics (formerly Invitae), Labcorp
Classification: Likely benign for Oligodontia-cancer predisposition syndrome. Last evaluated: 2025-06-30. Review status: criteria provided, single submitter. Criteria: Invitae Variant Classification Sherloc (09022015). Collection method: clinical testing. Allele origin: germline.

Myriad Genetics, Inc.
Classification: Benign for Oligodontia-cancer predisposition syndrome. Last evaluated: 2024-07-03. Review status: criteria provided, single submitter. Criteria: Myriad Autosomal Dominant, Autosomal Recessive and X-Linked Classification Criteria (2023). Collection method: clinical testing. Allele origin: unknown.
Comment: This variant is considered benign. This variant is a silent/synonymous amino acid change and it is not expected to impact splicing.

Ambry Genetics
Classification: Likely benign for Hereditary cancer-predisposing syndrome. Last evaluated: 2020-09-27. Review status: criteria provided, single submitter. Criteria: Ambry Variant Classification Scheme 2023. Collection method: clinical testing. Allele origin: germline.

NM_004655.4(AXIN2):c.1542C>G (p.Val514=)

Gene: AXIN2 (axin 2; minus strand). Cytogenetic location: 17q24.1.
Variant type: single nucleotide variant.
Coding change: c.1542C>G on transcript NM_004655.4 (MANE Select); coding-DNA position 1542, C replaced by G.
Protein change: p.Val514=; no amino-acid change (valine 514 retained).
Molecular consequence: synonymous variant.
Genome position (GRCh38, 1-based): chr17:65,537,494, G>C on the plus strand (C>G on the coding strand, the complement: AXIN2 is on the minus strand). VCF-style: chr17-65537494-G-C. GRCh37 (hg19) VCF-style: chr17-63533612-G-C.
Other names: c.1542C>G, p.Val514= (NM_001363813.1).
Identifiers: ClinVar variation 1157912 (VCV001157912.12), dbSNP rs2144459978, ClinGen allele CA501691292.